The following is an entry in ClinVar:

NM_001276270.2(MBD4):c.1621A>T (p.Ile541Phe)

Gene: MBD4 (methyl-CpG binding domain 4, DNA glycosylase; minus strand). Cytogenetic location: 3q21.3.
Variant type: single nucleotide variant.
Coding change: c.1621A>T on transcript NM_001276270.2 (MANE Select); coding-DNA position 1621, A replaced by T.
Protein change: p.Ile541Phe; replaces isoleucine 541 with phenylalanine.
Molecular consequence: missense variant. On other transcripts: intron variant (1).
Genome position (GRCh38, 1-based): chr3:129,432,529, T>A on the plus strand (A>T on the coding strand, the complement: MBD4 is on the minus strand). VCF-style: chr3-129432529-T-A. GRCh37 (hg19) VCF-style: chr3-129151372-T-A.
Other names: c.1639A>T, p.Ile547Phe (NM_001276271.2, NM_003925.3); c.685A>T, p.Ile229Phe (NM_001276273.2); c.1612+27A>T (NM_001276272.2); short protein forms I229F, I541F, I547F.
Identifiers: ClinVar variation 3870900 (VCV003870900.1).
Genomic context (GRCh38, chr3:129,432,529, plus strand): 5'-AATGTGCTGAATTATGGATGGGAGTGAGCCTCACCTGCTTCCACTCATTGACACAAAAAA[T>A]TCGGTAAGAGTCGTTGCCATATTTACCAATCCCATGAAGCTCAATTGGATACTTCCACTG-3'
Protein context (NP_001263199.1, residues 531-551): IGKYGNDSYR[Ile541Phe]FCVNEWKQVH

ClinVar aggregate classification (germline): Uncertain significance (1 of 4 stars; one submission).

Conditions:
Inborn genetic diseases. Identifiers: MedGen C0950123, MeSH D030342.

Submission:

Ambry Genetics
Classification: Uncertain significance for Inborn genetic diseases. Last evaluated: 2025-01-14. Review status: criteria provided, single submitter. Criteria: Ambry Variant Classification Scheme 2023. Collection method: clinical testing. Allele origin: germline.
Comment: The p.I541F variant (also known as c.1621A>T), located in coding exon 7 of the MBD4 gene, results from an A to T substitution at nucleotide position 1621. The isoleucine at codon 541 is replaced by phenylalanine, an amino acid with highly similar properties. This amino acid position is conserved. In addition, this alteration is predicted to be deleterious by in silico analysis. Based on the available evidence, the clinical significance of this variant remains unclear.